The following is an entry in ClinVar:

NM_001029883.3(PCARE):c.2120C>T (p.Pro707Leu)

Gene: PCARE (photoreceptor cilium actin regulator; minus strand). Cytogenetic location: 2p23.2.
Variant type: single nucleotide variant.
Coding change: c.2120C>T on transcript NM_001029883.3 (MANE Select); coding-DNA position 2120, C replaced by T.
Protein change: p.Pro707Leu; replaces proline 707 with leucine.
Molecular consequence: missense variant.
Genome position (GRCh38, 1-based): chr2:29,072,142, G>A on the plus strand (C>T on the coding strand, the complement: PCARE is on the minus strand). VCF-style: chr2-29072142-G-A. GRCh37 (hg19) VCF-style: chr2-29295008-G-A.
Other names: short protein forms P707L.
Identifiers: ClinVar variation 1495740 (VCV001495740.8), dbSNP rs2148415842, ClinGen allele CA346478193.

ClinVar aggregate classification (germline): Uncertain significance (1 of 4 stars; one submission).

gnomAD v4.1: 3 of 1,614,226 alleles (0.00019%); highest among the groups gnomAD compares: South Asian, 0.0011%; no homozygotes.

Submission:

Labcorp Genetics (formerly Invitae), Labcorp
Classification: Uncertain significance. Last evaluated: 2022-06-27. Review status: criteria provided, single submitter. Criteria: Invitae Variant Classification Sherloc (09022015). Collection method: clinical testing. Allele origin: germline.
Comment: In summary, the available evidence is currently insufficient to determine the role of this variant in disease. Therefore, it has been classified as a Variant of Uncertain Significance. Algorithms developed to predict the effect of missense changes on protein structure and function output the following: SIFT: "Tolerated"; PolyPhen-2: "Benign"; Align-GVGD: "Class C0". The leucine amino acid residue is found in multiple mammalian species, which suggests that this missense change does not adversely affect protein function. This variant has not been reported in the literature in individuals affected with PCARE-related conditions. This sequence change replaces proline, which is neutral and non-polar, with leucine, which is neutral and non-polar, at codon 707 of the PCARE protein (p.Pro707Leu). This variant is not present in population databases (gnomAD no frequency).